The following is an entry in ClinVar:

ClinVar aggregate classification (germline): Pathogenic/Likely pathogenic. Review status: criteria provided, multiple submitters, no conflicts (2 of 4 stars). 2 submissions from 2 submitters: Pathogenic (1); Likely pathogenic (1). Last evaluated 2024-04-10.

Conditions:
Hereditary cancer-predisposing syndrome. Also called: Tumor predisposition; Hereditary neoplastic syndrome; Neoplastic Syndromes, Hereditary; Hereditary Cancer Syndrome. Identifiers: Orphanet 140162, MedGen C0027672, MeSH D009386, MONDO:0015356.
Familial cancer of breast. Also called: Hereditary breast cancer; BREAST CANCER, FAMILIAL; hereditary breast carcinoma. Identifiers: Orphanet 227535, MedGen C0346153, MONDO:0016419, OMIM 114480. Disease mechanism: loss of function.

Submissions (2):

Ambry Genetics
Classification: Likely pathogenic for Hereditary cancer-predisposing syndrome. Last evaluated: 2024-04-10. Review status: criteria provided, single submitter. Criteria: Ambry Variant Classification Scheme 2023. Collection method: clinical testing. Allele origin: germline.
Comment: The c.3394_3395delTT variant, located in coding exon 13 of the PALB2 gene, results from a deletion of two nucleotides at nucleotide positions 3394 to 3395, causing a translational frameshift with a predicted alternate stop codon (p.L1132Dfs*24). This alteration occurs at the 3' terminus of thePALB2 gene, is not expected to trigger nonsense-mediated mRNA decay, and only impacts the last 55 amino acids of the protein. However, premature stop codons are typically deleterious in nature and the impacted region is critical for protein function (Ambry internal data). This variant is considered to be rare based on population cohorts in the Genome Aggregation Database (gnomAD). Based on the majority of available evidence to date, this variant is likely to be pathogenic.

Myriad Genetics, Inc.
Classification: Pathogenic for Familial cancer of breast. Last evaluated: 2023-09-15. Review status: criteria provided, single submitter. Criteria: Myriad Autosomal Dominant, Autosomal Recessive and X-Linked Classification Criteria (2023). Collection method: clinical testing. Allele origin: unknown.
Comment: This variant is considered pathogenic. This variant creates a frameshift predicted to result in premature protein truncation.

NM_024675.4(PALB2):c.3394_3395del (p.Leu1132fs)

Gene: PALB2 (partner and localizer of BRCA2; minus strand). Cytogenetic location: 16p12.2.
Variant type: Deletion.
Coding change: c.3394_3395del on transcript NM_024675.4 (MANE Select); coding-DNA positions 3394 to 3395, 2 bases deleted (TT; older notation c.3394_3395delTT).
Protein change: p.Leu1132fs; shifts the reading frame from leucine 1132.
Molecular consequence: frameshift variant. On other transcripts: 3 prime UTR variant (5).
Genome position (GRCh38, 1-based): chr16:23,603,625-23,603,626, AA deleted on the plus strand (TT on the coding strand, the reverse complement: PALB2 is on the minus strand). VCF-style (leftmost placement, unchanged base first): chr16-23603624-CAA-C. GRCh37 (hg19) VCF-style: chr16-23614945-CAA-C.
Other names: c.2509_2510del, p.Leu837fs (NM_001407305.1, NM_001407304.1, NM_001407306.1); c.*29_*30del (NM_001407302.1, NM_001407301.1, NM_001407310.1 and 2 more transcripts); c.3115_3116del, p.Leu1039fs (NM_001407300.1); c.3334_3335del, p.Leu1112fs (NM_001407296.1); c.3322_3323del, p.Leu1108fs (NM_001407297.1); c.3232_3233del, p.Leu1078fs (NM_001407298.1); c.3157_3158del, p.Leu1053fs (NM_001407299.1); c.2347_2348del, p.Leu783fs (NM_001407307.1); and 3 more; short protein forms L1039fs, L1053fs, L1078fs, L1108fs, L1112fs, L1132fs, L310fs, L536fs.
Identifiers: ClinVar variation 2673853 (VCV002673853.2), dbSNP rs2506197444, ClinGen allele CA2695197572.
Genomic context (GRCh38, chr16:23,603,624, plus strand): 5'-TGGGAGGAGGGCAGTACACTGACCGAGAAGTAAGTCCCAAATGGCAATTGTTCCAGAAGT[CAA>C]GATTGCTGCTGCACAGTGATCTTTCACGTCACCTTCCAGGAACCTGATAGCATACAAAGA-3'